The following is an entry in ClinVar:

NM_032638.5(GATA2):c.208G>T (p.Val70Phe)

Gene: GATA2 (GATA binding protein 2; minus strand). Cytogenetic location: 3q21.3.
Variant type: single nucleotide variant.
Coding change: c.208G>T on transcript NM_032638.5 (MANE Select); coding-DNA position 208, G replaced by T.
Protein change: p.Val70Phe; replaces valine 70 with phenylalanine.
Molecular consequence: missense variant.
Genome position (GRCh38, 1-based): chr3:128,486,824, C>A on the plus strand (G>T on the coding strand, the complement: GATA2 is on the minus strand). VCF-style: chr3-128486824-C-A. GRCh37 (hg19) VCF-style: chr3-128205667-C-A.
Other names: c.208G>T, p.Val70Phe (NM_001145661.2, NM_001145662.1); short protein forms V70F.
Identifiers: ClinVar variation 472452 (VCV000472452.16), dbSNP rs570531959, ClinGen allele CA2600083.

ClinVar aggregate classification (germline): Conflicting classifications of pathogenicity. Review status: criteria provided, conflicting classifications (1 of 4 stars). 5 submissions from 5 submitters: Uncertain significance (4); Likely benign (1). Last evaluated 2026-01-18.

Conditions:
Deafness-lymphedema-leukemia syndrome. Also called: Emberger syndrome; Lymphedema, primary, with myelodysplasia. Identifiers: Orphanet 3226, MedGen C3279664, MONDO:0013540, OMIM 614038.
Monocytopenia with susceptibility to infections. Also called: IMMUNODEFICIENCY 21; GATA2 DEFICIENCY; MONOCYTOPENIA AND MYCOBACTERIAL INFECTION SYNDROME; MONOCYTOPENIA WITH SUSCEPTIBILITY TO MYCOBACTERIAL, FUNGAL, AND PAPILLOMAVIRUS INFECTIONS AND MYELODYSPLASIA; COMBINED IMMUNODEFICIENCY WITH SUSCEPTIBILITY TO MYCOBACTERIAL, VIRAL, AND FUNGAL INFECTIONS; Dendritic cell, monocyte, B lymphocyte, and natural killer lymphocyte deficiency. Identifiers: Orphanet 228423, MedGen C3280030, MONDO:0013607, OMIM 614172.
GATA2 deficiency with susceptibility to MDS/AML. Identifiers: MedGen CN300066, MONDO:0042982.
Myelodysplastic syndrome (MDS). Also called: Myelodysplastic syndrome, somatic; Myelodysplastic syndromes; MYELODYSPLASTIC SYNDROME, SUSCEPTIBILITY TO. Identifiers: Orphanet 52688, MedGen C3463824, MeSH D009190, MONDO:0018881, OMIM 614286.
Acute myeloid leukemia (AML). Also called: Leukemia, acute myeloid, somatic; Leukemia, acute myelogenous, somatic; Acute myeloid leukemia, adult; AML adult; Acute non-lymphocytic leukemia; Acute granulocytic leukemia. Identifiers: Orphanet 519, MedGen C0023467, MeSH D015470, MONDO:0018874, OMIM 601626, HP:0004808. Disease mechanism: Constitutively activated FLT3.

Allele frequency attached by ClinVar (database versions not stated): gnomAD 0.00001 and 0.00002; TOPMed 0.00001; gnomAD exomes 0.00009; ExAC 0.00015; 1000 Genomes Project 0.00040; 1000 Genomes Project 30x 0.00047.
gnomAD v4.1: 35 of 1,608,808 alleles (0.0022%); highest among the groups gnomAD compares: East Asian, 0.076%; no homozygotes.

Submissions (5):

Labcorp Genetics (formerly Invitae), Labcorp
Classification: Likely benign for Monocytopenia with susceptibility to infections; Deafness-lymphedema-leukemia syndrome. Last evaluated: 2026-01-18. Review status: criteria provided, single submitter. Criteria: Invitae Variant Classification Sherloc (09022015). Collection method: clinical testing. Allele origin: germline.

GeneDx
Classification: Uncertain significance. Last evaluated: 2025-02-11. Review status: criteria provided, single submitter. Criteria: GeneDx Variant Classification Process June 2021. Collection method: clinical testing. Allele origin: germline. Affected: yes.
Comment: In silico analysis indicates that this missense variant does not alter protein structure/function; Has not been previously published as pathogenic or benign to our knowledge; This variant is associated with the following publications: (PMID: 31723772)

Molecular Pathology, Peter Maccallum Cancer Centre
Classification: Uncertain significance for GATA2 deficiency with susceptibility to MDS/AML. Last evaluated: 2024-06-04. Review status: criteria provided, single submitter. Criteria: ACMG Guidelines, 2015. Collection method: clinical testing. Allele origin: germline. Inheritance: Autosomal dominant inheritance.

Baylor Genetics
Classification: Uncertain significance for Acute myeloid leukemia. Last evaluated: 2023-07-31. Review status: criteria provided, single submitter. Criteria: ACMG Guidelines, 2015. Collection method: clinical testing. Allele origin: unknown.

Center for Genomics, Ann and Robert H. Lurie Children's Hospital of Chicago
Classification: Uncertain significance for Acute myeloid leukemia; Deafness-lymphedema-leukemia syndrome; Monocytopenia with susceptibility to infections; Myelodysplastic syndrome. Review status: criteria provided, single submitter. Criteria: ACMG Guidelines, 2015. Collection method: clinical testing. Allele origin: germline.
Comment: This variant has not been reported in the literature but is present in the Genome Aggregation Database (Highest reported MAF 0.1% (20/17588). This variant is present in ClinVar (Variation ID:472452). Evolutionary conservation and computational predictive tools suggest that this variant may impact the protein. In summary, data on this variant is insufficient for disease classification. Therefore, the clinical significance of this variant is uncertain.